The following is an entry in ClinVar:

ClinVar aggregate classification (germline): Uncertain significance. Review status: criteria provided, multiple submitters, no conflicts (2 of 4 stars). 3 submissions from 3 submitters: Uncertain significance (2). 1 of the submissions does not count toward it. Last evaluated 2019-11-05.

Conditions:
Usher syndrome type 1F (USH1F). Also called: USHER SYNDROME, TYPE IF. Identifiers: Orphanet 231169, Orphanet 886, MedGen C1865885, MONDO:0011186, OMIM 602083.

Allele frequency attached by ClinVar (database versions not stated): gnomAD exomes 0.00002; TOPMed 0.00002; ExAC 0.00003.
gnomAD v4.1: 39 of 1,613,000 alleles (0.0024%); highest among the groups gnomAD compares: Middle Eastern, 0.017%; no homozygotes.

Submissions (3):

Blueprint Genetics
Classification: Uncertain significance. Last evaluated: 2019-11-05. Review status: criteria provided, single submitter. Criteria: ACMG Guidelines, 2015. Collection method: clinical testing. Allele origin: germline.

Laboratory for Molecular Medicine, Mass General Brigham Personalized Medicine
Classification: Uncertain significance. Last evaluated: 2013-05-18. Review status: criteria provided, single submitter. Criteria: LMM Criteria. Collection method: clinical testing. Allele origin: germline. Observed: 2 variant alleles.
Comment: This variant was not identified in large and broad Afri can American and European American populations sequenced by the NHLBI Exome Sequ encing Project; however, it may be common in other populations. Computational analyses (biochemical amino acid properties, c onservation, AlignGVGD, PolyPhen2, and SIFT) suggest that the Tyr1448Cys variant may impact the protein, though this information is not predictive enough to det ermine pathogenicity. In summary, additional data is needed to determine the cli nical significance of this variant.

Natera, Inc.
Classification: Uncertain significance for Usher syndrome type 1F. Last evaluated: 2019-11-11. Review status: no assertion criteria provided. Collection method: clinical testing. Allele origin: germline. Not counted in ClinVar's aggregate classification.

NM_001384140.1(PCDH15):c.4343A>G (p.Tyr1448Cys)

Gene: PCDH15 (protocadherin related 15; minus strand). Cytogenetic location: 10q21.1.
Variant type: single nucleotide variant.
Coding change: c.4343A>G on transcript NM_001384140.1 (MANE Select); coding-DNA position 4343, A replaced by G.
Protein change: p.Tyr1448Cys; replaces tyrosine 1448 with cysteine.
Molecular consequence: missense variant.
Genome position (GRCh38, 1-based): chr10:53,827,417, T>C on the plus strand (A>G on the coding strand, the complement: PCDH15 is on the minus strand). VCF-style: chr10-53827417-T-C. GRCh37 (hg19) VCF-style: chr10-55587177-T-C.
Other names: c.4358A>G, p.Tyr1453Cys (NM_001142763.2, NM_001142771.2); c.4343A>G, p.Tyr1448Cys (NM_001142764.2, NM_001142770.3, NM_001142772.2 and 3 more transcripts); c.4130A>G, p.Tyr1377Cys (NM_001142765.2); c.4334A>G, p.Tyr1445Cys (NM_001142766.2); c.4223A>G, p.Tyr1408Cys (NM_001142767.2); c.4277A>G, p.Tyr1426Cys (NM_001142768.2, NM_001354404.2); c.4379A>G, p.Tyr1460Cys (NM_001142769.4); c.4268A>G, p.Tyr1423Cys (NM_001142773.2); and 1 more; short protein forms Y1448C, Y1426C, Y1423C, Y1453C, Y1408C, Y1377C, Y1445C, Y1455C.
Identifiers: ClinVar variation 46481 (VCV000046481.7), dbSNP rs397517459, ClinGen allele CA138436.